The following is an entry in ClinVar:

ClinVar aggregate classification (germline): Uncertain significance. Review status: criteria provided, multiple submitters, no conflicts (2 of 4 stars). 3 submissions from 3 submitters: Uncertain significance (3). Last evaluated 2026-03-17.

Conditions:
Alstrom syndrome (ALMS). Identifiers: Orphanet 64, MedGen C0268425, MONDO:0008763, OMIM 203800.

Allele frequency attached by ClinVar (database versions not stated): gnomAD exomes 0.00001; ExAC 0.00002.
gnomAD v4.1: 6 of 1,613,204 alleles (0.00037%); highest among the groups gnomAD compares: Admixed American, 0.0083%; no homozygotes.

Submissions (3):

Women's Health and Genetics/Laboratory Corporation of America, LabCorp
Classification: Uncertain significance. Last evaluated: 2026-03-17. Review status: criteria provided, single submitter. Criteria: LabCorp Variant Classification Summary - May 2015. Collection method: clinical testing. Allele origin: germline.

Labcorp Genetics (formerly Invitae), Labcorp
Classification: Uncertain significance for Alstrom syndrome. Last evaluated: 2025-02-13. Review status: criteria provided, single submitter. Criteria: Invitae Variant Classification Sherloc (09022015). Collection method: clinical testing. Allele origin: germline.
Comment: This sequence change replaces proline, which is neutral and non-polar, with arginine, which is basic and polar, at codon 1415 of the ALMS1 protein (p.Pro1415Arg). This variant is present in population databases (rs758836829, gnomAD 0.01%). This variant has not been reported in the literature in individuals affected with ALMS1-related conditions. ClinVar contains an entry for this variant (Variation ID: 2417678). Experimental studies and prediction algorithms are not available or were not evaluated, and the functional significance of this variant is currently unknown. In summary, the available evidence is currently insufficient to determine the role of this variant in disease. Therefore, it has been classified as a Variant of Uncertain Significance.

GeneDx
Classification: Uncertain significance. Last evaluated: 2024-03-19. Review status: criteria provided, single submitter. Criteria: GeneDx Variant Classification Process June 2021. Collection method: clinical testing. Allele origin: germline. Affected: yes.
Comment: Not observed at significant frequency in large population cohorts (gnomAD); In silico analysis supports that this missense variant does not alter protein structure/function; Has not been previously published as pathogenic or benign to our knowledge

NM_001378454.1(ALMS1):c.4241C>G (p.Pro1414Arg)

Gene: ALMS1 (ALMS1 centrosome and basal body associated protein; plus strand). Cytogenetic location: 2p13.1.
Variant type: single nucleotide variant.
Coding change: c.4241C>G on transcript NM_001378454.1 (MANE Select); coding-DNA position 4241, C replaced by G.
Protein change: p.Pro1414Arg; replaces proline 1414 with arginine.
Molecular consequence: missense variant.
Genome position (GRCh38, 1-based): chr2:73,450,768, C>G. VCF-style: chr2-73450768-C-G. GRCh37 (hg19) VCF-style: chr2-73677895-C-G.
Other names: c.4244C>G, p.Pro1415Arg (NM_015120.4); short protein forms P1414R, P1415R.
Identifiers: ClinVar variation 2417678 (VCV002417678.6), dbSNP rs758836829, ClinGen allele CA1713669.